The following is an entry in ClinVar:

ClinVar aggregate classification (germline): Benign. Review status: criteria provided, multiple submitters, no conflicts (2 of 4 stars). 2 submissions from 2 submitters: Benign (2). Last evaluated 2018-06-18.

Allele frequency attached by ClinVar (database versions not stated): 1000 Genomes Project 30x 0.13226; 1000 Genomes Project 0.13558; TOPMed 0.15347; gnomAD 0.15989 and 0.16116.
gnomAD v4.1: 24,647 of 152,174 alleles (16%); highest among the groups gnomAD compares: Non-Finnish European, 24%; 2,649 homozygotes.

Submissions (2):

GeneDx
Classification: Benign. Last evaluated: 2018-06-18. Review status: criteria provided, single submitter. Criteria: GeneDx Variant Classification (06012015). Collection method: clinical testing. Allele origin: germline. Affected: yes.
Comment: This variant is considered likely benign or benign based on one or more of the following criteria: it is a conservative change, it occurs at a poorly conserved position in the protein, it is predicted to be benign by multiple in silico algorithms, and/or has population frequency not consistent with disease.

Breakthrough Genomics
Classification: Benign. Review status: criteria provided, single submitter. Criteria: ACMG Guidelines, 2015. Collection method: not provided. Allele origin: germline. Inheritance: Autosomal dominant inheritance. Affected: yes.

NM_000238.4(KCNH2):c.308-271C>T

Gene: KCNH2 (potassium voltage-gated channel subfamily H member 2; minus strand). Cytogenetic location: 7q36.1.
Variant type: single nucleotide variant.
Coding change: c.308-271C>T on transcript NM_000238.4 (MANE Select); 271 bases into the intron before coding-DNA position 308, C replaced by T.
Molecular consequence: intron variant. On other transcripts: 5 prime UTR variant (2).
Genome position (GRCh38, 1-based): chr7:150,960,007, G>A on the plus strand (C>T on the coding strand, the complement: KCNH2 is on the minus strand). VCF-style: chr7-150960007-G-A. GRCh37 (hg19) VCF-style: chr7-150657095-G-A.
Other names: c.-252C>T (NM_001406753.1, NM_001406756.1); c.308-271C>T (NM_172056.3); c.131-271C>T (NM_001406755.1); c.8-271C>T (NM_001406757.1).
Identifiers: ClinVar variation 668720 (VCV000668720.4), dbSNP rs56282717, ClinGen allele CA16319577.